The following is an entry in ClinVar:

ClinVar aggregate classification (germline): Pathogenic (1 of 4 stars; one submission).

Conditions:
Hereditary cancer-predisposing syndrome. Also called: Neoplastic Syndromes, Hereditary; Tumor predisposition; Hereditary Cancer Syndrome; Hereditary neoplastic syndrome. Identifiers: Orphanet 140162, MedGen C0027672, MeSH D009386, MONDO:0015356.

Submission:

Ambry Genetics
Classification: Pathogenic for Hereditary cancer-predisposing syndrome. Last evaluated: 2020-12-18. Review status: criteria provided, single submitter. Criteria: Ambry Variant Classification Scheme 2023. Collection method: clinical testing. Allele origin: germline.
Comment: The c.4054delG pathogenic mutation, located in coding exon 9 of the BRCA1 gene, results from a deletion of one nucleotide at nucleotide position 4054, causing a translational frameshift with a predicted alternate stop codon (p.E1352Kfs*14). This alteration is expected to result in loss of function by premature protein truncation or nonsense-mediated mRNA decay. As such, this alteration is interpreted as a disease-causing mutation.

NM_007294.4(BRCA1):c.4054del (p.Glu1352fs)

Genes: BRCA1 (BRCA1 DNA repair associated; minus strand), LOC126862571 (BRD4-independent group 4 enhancer GRCh37_chr17:41243136-41244335; plus strand). Cytogenetic location: 17q21.31.
Variant type: Deletion.
Coding change: c.4054del on transcript NM_007294.4 (MANE Select); coding-DNA position 4054, one base deleted (G; older notation c.4054delG).
Protein change: p.Glu1352fs; shifts the reading frame from glutamic acid 1352.
Molecular consequence: frameshift variant. On other transcripts: intron variant (135).
Genome position (GRCh38, 1-based): chr17:43,091,477, C deleted on the plus strand (G on the coding strand, the reverse complement: BRCA1 is on the minus strand); the first of 2 consecutive C bases (chr17:43,091,477-43,091,478); deleting either gives the same sequence. VCF-style (leftmost placement, unchanged base first): chr17-43091476-TC-T. GRCh37 (hg19) VCF-style: chr17-41243493-TC-T.
Other names: c.4054delG (NM_007294.3); c.3841del, p.Glu1281fs (NM_001407571.1, NM_001407853.1, NM_001407894.1 and 9 more transcripts); c.4054del, p.Glu1352fs (NM_001407581.1, NM_001407582.1, NM_001407583.1 and 30 more transcripts); c.4051del, p.Glu1351fs (NM_001407587.1, NM_001407590.1, NM_001407591.1 and 22 more transcripts); c.4045del, p.Glu1349fs (NM_001407646.1, NM_001407647.1); c.3931del, p.Glu1311fs (NM_001407648.1, NM_001407664.1, NM_001407665.1 and 19 more transcripts); c.3928del, p.Glu1310fs (NM_001407649.1, NM_001407670.1, NM_001407671.1 and 11 more transcripts); c.3976del, p.Glu1326fs (NM_001407653.1, NM_001407654.1, NM_001407655.1 and 4 more transcripts); and 42 more; short protein forms E1305fs, E1352fs, E1184fs, E1310fs, E1326fs, E1056fs, E1224fs, E1284fs.
Identifiers: ClinVar variation 1737403 (VCV001737403.2), dbSNP rs2552108651, ClinGen allele CA2580094248.